The following is an entry in ClinVar:

NM_000238.4(KCNH2):c.2128G>A (p.Gly710Ser)

Gene: KCNH2 (potassium voltage-gated channel subfamily H member 2; minus strand). Cytogenetic location: 7q36.1.
Variant type: single nucleotide variant.
Coding change: c.2128G>A on transcript NM_000238.4 (MANE Select); coding-DNA position 2128, G replaced by A.
Protein change: p.Gly710Ser; replaces glycine 710 with serine.
Molecular consequence: missense variant.
Genome position (GRCh38, 1-based): chr7:150,950,938, C>T on the plus strand (G>A on the coding strand, the complement: KCNH2 is on the minus strand). VCF-style: chr7-150950938-C-T. GRCh37 (hg19) VCF-style: chr7-150648026-C-T.
Other names: c.1108G>A, p.Gly370Ser (NM_001204798.2, NM_172057.3); c.1840G>A, p.Gly614Ser (NM_001406753.1, NM_001406756.1); c.1951G>A, p.Gly651Ser (NM_001406755.1); c.1828G>A, p.Gly610Ser (NM_001406757.1); c.2128G>A, p.Gly710Ser (NM_172056.3); short protein forms G710S, G370S, G614S, G651S, G610S.
Identifiers: ClinVar variation 664978 (VCV000664978.12), dbSNP rs1584851956, ClinGen allele CA369857359.

ClinVar aggregate classification (germline): Uncertain significance. Review status: criteria provided, multiple submitters, no conflicts (2 of 4 stars). 2 submissions from 2 submitters: Uncertain significance (2). Last evaluated 2024-09-12.

Conditions:
Long QT syndrome (LQTS). Identifiers: MedGen C0023976, MeSH D008133, MONDO:0002442. Disease mechanism: loss of function. Inheritance: Various modes of inheritance.
Cardiac arrhythmia. Also called: Arrhythmia; Cardiac rhythm disease. Identifiers: MedGen C0003811, MONDO:0007263, HP:0011675.

Allele frequency attached by ClinVar (database versions not stated): gnomAD exomes below 0.00001.

Submissions (2):

Labcorp Genetics (formerly Invitae), Labcorp
Classification: Uncertain significance for Long QT syndrome. Last evaluated: 2024-09-12. Review status: criteria provided, single submitter. Criteria: Invitae Variant Classification Sherloc (09022015). Collection method: clinical testing. Allele origin: germline.
Comment: This sequence change replaces glycine, which is neutral and non-polar, with serine, which is neutral and polar, at codon 710 of the KCNH2 protein (p.Gly710Ser). This variant is not present in population databases (gnomAD no frequency). This variant has not been reported in the literature in individuals affected with KCNH2-related conditions. ClinVar contains an entry for this variant (Variation ID: 664978). An algorithm developed to predict the effect of missense changes on protein structure and function (PolyPhen-2) suggests that this variant is likely to be disruptive. In summary, the available evidence is currently insufficient to determine the role of this variant in disease. Therefore, it has been classified as a Variant of Uncertain Significance.

Color Diagnostics, LLC DBA Color Health
Classification: Uncertain significance for Cardiac arrhythmia. Last evaluated: 2024-01-29. Review status: criteria provided, single submitter. Criteria: ACMG Guidelines, 2015. Collection method: clinical testing. Allele origin: germline.
Comment: This missense variant replaces glycine with serine at codon 710 of the KCNH2 protein. Computational prediction suggests that this variant may have deleterious impact on protein structure and function (internally defined REVEL score threshold >= 0.7, PMID: 27666373). This variant is found within a highly conserved C-terminal cytoplasmic region (a.a. 660-741). Rare non-truncating variants in this region have been shown to be significantly overrepresented in individuals with long QT syndrome (PMID: 32893267). To our knowledge, functional studies have not been reported for this variant. This variant has been reported in an individual suspected of having epilepsy (PMID: 31696929). This variant has not been identified in the general population by the Genome Aggregation Database (gnomAD). The available evidence is insufficient to determine the role of this variant in disease conclusively. Therefore, this variant is classified as a Variant of Uncertain Significance.

Literature cited by the submitters: PubMed 31696929 (cited by Color Diagnostics, LLC DBA Color Health); PubMed 32893267 (cited by Color Diagnostics, LLC DBA Color Health).